The following is an entry in ClinVar:

NM_000143.4(FH):c.556-9T>A

Gene: FH (fumarate hydratase; minus strand). Cytogenetic location: 1q43.
Variant type: single nucleotide variant.
Coding change: c.556-9T>A on transcript NM_000143.4 (MANE Select); 9 bases into the intron before coding-DNA position 556, T replaced by A.
Molecular consequence: intron variant.
Genome position (GRCh38, 1-based): chr1:241,508,794, A>T on the plus strand (T>A on the coding strand, the complement: FH is on the minus strand). VCF-style: chr1-241508794-A-T. GRCh37 (hg19) VCF-style: chr1-241672094-A-T.
Identifiers: ClinVar variation 4781535 (VCV004781535.1).
Genomic context (GRCh38, chr1:241,508,794, plus strand): 5'-CTTCTATTGCAGCAGCAATGTGCATTGCTGTGGGAAAAGTATCATTTGAGCTCTGTTGGA[A>T]ATTTTTCAAAAGAAATATAAAATGTTAAATCAGAGGCAACAAAAACAAACTTCTGAATTA-3'

ClinVar aggregate classification (germline): Uncertain significance (1 of 4 stars; one submission).

Submission:

Labcorp Genetics (formerly Invitae), Labcorp
Classification: Uncertain significance. Last evaluated: 2025-10-01. Review status: criteria provided, single submitter. Criteria: Invitae Variant Classification Sherloc (09022015). Collection method: clinical testing. Allele origin: germline.
Comment: This sequence change falls in intron 4 of the FH gene. It does not directly change the encoded amino acid sequence of the FH protein. This variant is not present in population databases (gnomAD no frequency). This variant has not been reported in the literature in individuals affected with FH-related conditions. Algorithms developed to predict the effect of sequence changes on RNA splicing suggest that this variant may disrupt the consensus splice site. In summary, the available evidence is currently insufficient to determine the role of this variant in disease. Therefore, it has been classified as a Variant of Uncertain Significance.